The following is an entry in ClinVar:

NM_001744.6(CAMK4):c.166G>A (p.Ala56Thr)

Gene: CAMK4 (calcium/calmodulin dependent protein kinase IV; plus strand). Cytogenetic location: 5q22.1.
Variant type: single nucleotide variant.
Coding change: c.166G>A on transcript NM_001744.6 (MANE Select); coding-DNA position 166, G replaced by A.
Protein change: p.Ala56Thr; replaces alanine 56 with threonine.
Molecular consequence: missense variant. On other transcripts: 5 prime UTR variant (2).
Genome position (GRCh38, 1-based): chr5:111,344,028, G>A. VCF-style: chr5-111344028-G-A. GRCh37 (hg19) VCF-style: chr5-110679726-G-A.
Other names: c.166G>A, p.Ala56Thr (NM_001323374.2, NM_001323375.2); c.-280G>A (NM_001323376.2); c.-343G>A (NM_001323377.2); short protein forms A56T.
Identifiers: ClinVar variation 3893550 (VCV003893550.1).
Genomic context (GRCh38, chr5:111,344,028, plus strand): 5'-CCCTTTAATTCATGTCCAAAGCATAACATTTTCTTTTTGTCTTTTTCCCCCTCAAGGGGT[G>A]CTACATCCATTGTGTACAGATGCAAACAGAAGGGGACCCAGAAGCCTTATGCTCTCAAAG-3'
Protein context (NP_001735.1, residues 46-66): FEVESELGRG[Ala56Thr]TSIVYRCKQK

ClinVar aggregate classification (germline): Uncertain significance (1 of 4 stars; one submission).

gnomAD v4.1: 1 of 1,593,822 alleles (0.000063%); highest among the groups gnomAD compares: Non-Finnish European, 0.000086%; no homozygotes.

Submission:

GeneDx
Classification: Uncertain significance. Last evaluated: 2024-10-24. Review status: criteria provided, single submitter. Criteria: GeneDx Variant Classification Process June 2021. Collection method: clinical testing. Allele origin: germline. Affected: yes.
Comment: Not observed at significant frequency in large population cohorts (gnomAD); In silico analysis supports that this missense variant has a deleterious effect on protein structure/function; Has not been previously published as pathogenic or benign to our knowledge